The following is an entry in ClinVar:

NM_020937.4(FANCM):c.4184G>T (p.Gly1395Val)

Gene: FANCM (FA complementation group M; plus strand). Cytogenetic location: 14q21.2.
Variant type: single nucleotide variant.
Coding change: c.4184G>T on transcript NM_020937.4 (MANE Select); coding-DNA position 4184, G replaced by T.
Protein change: p.Gly1395Val; replaces glycine 1395 with valine.
Molecular consequence: missense variant.
Genome position (GRCh38, 1-based): chr14:45,176,938, G>T. VCF-style: chr14-45176938-G-T. GRCh37 (hg19) VCF-style: chr14-45646141-G-T.
Other names: c.4184G>T (NM_020937.2); c.4106G>T, p.Gly1369Val (NM_001308133.2); short protein forms G1369V, G1395V.
Identifiers: ClinVar variation 1026967 (VCV001026967.10), dbSNP rs1203349245, ClinGen allele CA389604666.

ClinVar aggregate classification (germline): Uncertain significance. Review status: criteria provided, multiple submitters, no conflicts (2 of 4 stars). 3 submissions from 3 submitters: Uncertain significance (3). Last evaluated 2026-08-01.

Conditions:
Fanconi anemia (FA). Also called: Fanconi's anemia. Identifiers: Orphanet 84, MedGen C0015625, MeSH D005199, MONDO:0019391.

Allele frequency attached by ClinVar (database versions not stated): gnomAD exomes below 0.00001.
gnomAD v4.1: 3 of 1,608,204 alleles (0.00019%); highest among the groups gnomAD compares: Non-Finnish European, 0.00026%; no homozygotes.

Submissions (3):

CeGaT Center for Human Genetics Tuebingen
Classification: Uncertain significance. Last evaluated: 2026-08-01. Review status: criteria provided, single submitter. Criteria: CeGaT Center For Human Genetics Tuebingen Variant Classification Criteria Version 2. Collection method: clinical testing. Allele origin: germline. Affected: yes. Observed: 1 variant allele.
Comment: FANCM: PM2, BP4

GeneDx
Classification: Uncertain significance. Last evaluated: 2023-12-01. Review status: criteria provided, single submitter. Criteria: GeneDx Variant Classification Process June 2021. Collection method: clinical testing. Allele origin: germline. Affected: yes.
Comment: Not observed at significant frequency in large population cohorts (gnomAD); In silico analysis supports that this missense variant does not alter protein structure/function; Observed in an individual with breast or ovarian cancer (PMID: 29351780); This variant is associated with the following publications: (PMID: 29351780)

Labcorp Genetics (formerly Invitae), Labcorp
Classification: Uncertain significance for Fanconi anemia. Last evaluated: 2022-02-17. Review status: criteria provided, single submitter. Criteria: Invitae Variant Classification Sherloc (09022015). Collection method: clinical testing. Allele origin: germline.
Comment: In summary, the available evidence is currently insufficient to determine the role of this variant in disease. Therefore, it has been classified as a Variant of Uncertain Significance. Algorithms developed to predict the effect of missense changes on protein structure and function (SIFT, PolyPhen-2, Align-GVGD) all suggest that this variant is likely to be tolerated. ClinVar contains an entry for this variant (Variation ID: 1026967). This missense change has been observed in individual(s) with breast or ovarian cancer (PMID: 29351780). The frequency data for this variant in the population databases is considered unreliable, as metrics indicate poor data quality at this position in the gnomAD database. This sequence change replaces glycine, which is neutral and non-polar, with valine, which is neutral and non-polar, at codon 1395 of the FANCM protein (p.Gly1395Val).

Literature cited by the submitters: PubMed 29351780 (cited by Labcorp Genetics (formerly Invitae), Labcorp).